The following is an entry in ClinVar:

NM_000117.3(EMD):c.3G>A (p.Met1Ile)

Gene: EMD (emerin; plus strand). Cytogenetic location: Xq28.
Variant type: single nucleotide variant.
Coding change: c.3G>A on transcript NM_000117.3 (MANE Select); coding-DNA position 3, G replaced by A.
Protein change: p.Met1Ile; changes the start codon (methionine 1).
Molecular consequence: missense variant, initiator codon variant.
Genome position (GRCh38, 1-based): chrX:154,379,487, G>A. VCF-style: chrX-154379487-G-A. GRCh37 (hg19) VCF-style: chrX-153607847-G-A.
Other names: short protein forms M1I.
Identifiers: ClinVar variation 281087 (VCV000281087.15), dbSNP rs886044771, ClinGen allele CA10603810.

ClinVar aggregate classification (germline): Pathogenic. Review status: criteria provided, multiple submitters, no conflicts (2 of 4 stars). 3 submissions from 3 submitters: Pathogenic (3). Last evaluated 2025-07-29.

Conditions:
X-linked Emery-Dreifuss muscular dystrophy. Also called: Muscular dystrophy, tardive Emery-Dreifuss type, with contractures. Identifiers: Orphanet 261, Orphanet 98863, MedGen C0751337, MONDO:0010680.

Submissions (3):

Labcorp Genetics (formerly Invitae), Labcorp
Classification: Pathogenic for X-linked Emery-Dreifuss muscular dystrophy. Last evaluated: 2025-07-29. Review status: criteria provided, single submitter. Criteria: Invitae Variant Classification Sherloc (09022015). Collection method: clinical testing. Allele origin: germline.
Comment: This sequence change affects the initiator codon of the EMD mRNA. This change may impact translation initiation or efficiency. The next in-frame methionine is located at codon 73. This variant is not present in population databases (gnomAD no frequency). Disruption of the initiator codon has been observed in individuals with X-linked Emery-Dreifuss muscular dystrophy (PMID: 7894480, 8595406, 10399752, 19997654, 21697856). ClinVar contains an entry for this variant (Variation ID: 281087). For these reasons, this variant has been classified as Pathogenic.

Eurofins Ntd Llc (ga)
Classification: Pathogenic. Last evaluated: 2015-06-26. Review status: criteria provided, single submitter. Criteria: EGL Classification Definitions 2015. Collection method: clinical testing. Allele origin: germline. Observed: 4 variant alleles, 4 hemizygotes.

Athena Diagnostics
Classification: Pathogenic. Last evaluated: 2014-12-19. Review status: criteria provided, single submitter. Criteria: Athena Diagnostics Criteria. Collection method: clinical testing. Allele origin: germline.

Literature cited by the submitters: PubMed 7894480 (cited by Labcorp Genetics (formerly Invitae), Labcorp); PubMed 8595406 (cited by 3 submitters); PubMed 10399752 (cited by Labcorp Genetics (formerly Invitae), Labcorp and Athena Diagnostics); PubMed 19997654 (cited by Labcorp Genetics (formerly Invitae), Labcorp); PubMed 21697856 (cited by Labcorp Genetics (formerly Invitae), Labcorp); PubMed 9472006 (cited by Athena Diagnostics).